The following is an entry in ClinVar:

NC_000002.12:g.121530907C>T

Genes: CLASP1 (cytoplasmic linker associated protein 1; minus strand), CLASP1-AS1 (CLASP1 antisense RNA 1; plus strand), RNU4ATAC (RNA, U4atac small nuclear; plus strand). Cytogenetic location: 2q14.2.
Variant type: single nucleotide variant.
Molecular consequence: intron variant (on NM_001395891.1).
Genome position: GRCh38 VCF-style: chr2-121530907-C-T. GRCh37 (hg19) VCF-style: chr2-122288483-C-T.
Other names: c.196-582G>A (NM_001142274.2, NM_015282.3, NM_001378003.1 and 5 more transcripts).
Identifiers: ClinVar variation 1470268 (VCV001470268.4), dbSNP rs146450524, ClinGen allele CA1854687.

ClinVar aggregate classification (germline): Uncertain significance (1 of 4 stars; one submission).

Allele frequency attached by ClinVar (database versions not stated): gnomAD exomes 0.00012; 1000 Genomes Project 30x 0.00016; 1000 Genomes Project 0.00020; gnomAD 0.00026 and 0.00027; TOPMed 0.00028.
gnomAD v4.1: 93 of 697,654 alleles (0.013%); highest among the groups gnomAD compares: African/African-American, 0.054%; no homozygotes.

Submission:

Labcorp Genetics (formerly Invitae), Labcorp
Classification: Uncertain significance. Last evaluated: 2023-10-13. Review status: criteria provided, single submitter. Criteria: Invitae Variant Classification Sherloc (09022015). Collection method: clinical testing. Allele origin: germline.
Comment: This variant occurs in the RNU4ATAC gene, which encodes an RNA molecule that does not result in a protein product. This variant is present in population databases (rs146450524, gnomAD 0.09%). This variant has not been reported in the literature in individuals affected with RNU4ATAC-related conditions. ClinVar contains an entry for this variant (Variation ID: 1470268). This variant is located within the 5' stem-loop region of the RNU4ATAC RNA, which includes the 15.5K binding site and is important for spliceosome assembly (PMID: 32628740). A significant number of disease-associated RNU4ATAC variants are found in this region (PMID: 32628740, 30368667). In summary, the available evidence is currently insufficient to determine the role of this variant in disease. Therefore, it has been classified as a Variant of Uncertain Significance.

Literature cited by the submitters: PubMed 32628740; PubMed 30368667.